The following is an entry in ClinVar:

ClinVar aggregate classification (germline): Uncertain significance (1 of 4 stars; one submission).

Conditions:
Neurofibromatosis, type 2 (SWNV). Also called: BILATERAL ACOUSTIC NEUROFIBROMATOSIS; NF2-Related Schwannomatosis; SCHWANNOMATOSIS, VESTIBULAR. Identifiers: Orphanet 637, MedGen C0027832, MONDO:0007039, OMIM 101000. Disease mechanism: loss of function.

Submission:

Labcorp Genetics (formerly Invitae), Labcorp
Classification: Uncertain significance for Neurofibromatosis, type 2. Last evaluated: 2025-04-09. Review status: criteria provided, single submitter. Criteria: Invitae Variant Classification Sherloc (09022015). Collection method: clinical testing. Allele origin: germline.
Comment: This sequence change replaces glutamic acid, which is acidic and polar, with aspartic acid, which is acidic and polar, at codon 270 of the NF2 protein (p.Glu270Asp). This variant also falls at the last nucleotide of exon 8, which is part of the consensus splice site for this exon. This variant is not present in population databases (gnomAD no frequency). This variant has not been reported in the literature in individuals affected with NF2-related conditions. ClinVar contains an entry for this variant (Variation ID: 3729631). An algorithm developed to predict the effect of missense changes on protein structure and function (PolyPhen-2) suggests that this variant is likely to be tolerated. Variants that disrupt the consensus splice site are a relatively common cause of aberrant splicing (PMID: 17576681, 9536098). Algorithms developed to predict the effect of sequence changes on RNA splicing suggest that this variant may disrupt the consensus splice site. In summary, the available evidence is currently insufficient to determine the role of this variant in disease. Therefore, it has been classified as a Variant of Uncertain Significance.

Literature cited by the submitters: PubMed 17576681; PubMed 9536098.

NM_000268.4(NF2):c.810G>C (p.Glu270Asp)

Gene: NF2 (NF2, moesin-ezrin-radixin like (MERLIN) tumor suppressor; plus strand). Cytogenetic location: 22q12.2.
Variant type: single nucleotide variant.
Coding change: c.810G>C on transcript NM_000268.4 (MANE Select); coding-DNA position 810, G replaced by C.
Protein change: p.Glu270Asp; replaces glutamic acid 270 with aspartic acid.
Molecular consequence: missense variant. On other transcripts: non-coding transcript variant (1), intron variant (4).
Genome position (GRCh38, 1-based): chr22:29,661,339, G>C. VCF-style: chr22-29661339-G-C. GRCh37 (hg19) VCF-style: chr22-30057328-G-C.
Other names: c.696G>C, p.Glu232Asp (NM_001407053.1, NM_001407056.1); c.687G>C, p.Glu229Asp (NM_001407054.1, NM_001407058.1, NM_181829.3); c.684G>C, p.Glu228Asp (NM_001407055.1, NM_181828.3); c.810G>C, p.Glu270Asp (NM_001407060.1, NM_001407066.1, NM_016418.5 and 2 more transcripts); c.561G>C, p.Glu187Asp (NM_001407063.1, NM_001407064.1, NM_181830.3 and 1 more transcripts); c.276G>C, p.Glu92Asp (NM_001407065.1); c.579G>C, p.Glu193Asp (NM_001407067.1); c.675+3075G>C (NM_001407059.1, NM_001407057.1); and 2 more; short protein forms E187D, E228D, E270D, E92D, E193D, E229D, E232D.
Identifiers: ClinVar variation 3729631 (VCV003729631.2).